The following is an entry in ClinVar:

NM_006766.5(KAT6A):c.3159C>G (p.Asp1053Glu)

Gene: KAT6A (lysine acetyltransferase 6A; minus strand). Cytogenetic location: 8p11.21.
Variant type: single nucleotide variant.
Coding change: c.3159C>G on transcript NM_006766.5 (MANE Select); coding-DNA position 3159, C replaced by G.
Protein change: p.Asp1053Glu; replaces aspartic acid 1053 with glutamic acid.
Molecular consequence: missense variant.
Genome position (GRCh38, 1-based): chr8:41,937,449, G>C on the plus strand (C>G on the coding strand, the complement: KAT6A is on the minus strand). VCF-style: chr8-41937449-G-C. GRCh37 (hg19) VCF-style: chr8-41794967-G-C.
Other names: short protein forms D1053E.
Identifiers: ClinVar variation 3007913 (VCV003007913.3), dbSNP rs759875492, ClinGen allele CA371070668.

ClinVar aggregate classification (germline): Uncertain significance (1 of 4 stars; one submission).

gnomAD v4.1: 1 of 1,614,124 alleles (0.000062%); highest among the groups gnomAD compares: Non-Finnish European, 0.000085%; no homozygotes.

Submission:

Labcorp Genetics (formerly Invitae), Labcorp
Classification: Uncertain significance. Last evaluated: 2023-06-06. Review status: criteria provided, single submitter. Criteria: Invitae Variant Classification Sherloc (09022015). Collection method: clinical testing. Allele origin: germline.
Comment: This sequence change replaces aspartic acid, which is acidic and polar, with glutamic acid, which is acidic and polar, at codon 1053 of the KAT6A protein (p.Asp1053Glu). This variant is present in population databases (no rsID available, gnomAD 0.0009%). This variant has not been reported in the literature in individuals affected with KAT6A-related conditions. Advanced modeling of protein sequence and biophysical properties (such as structural, functional, and spatial information, amino acid conservation, physicochemical variation, residue mobility, and thermodynamic stability) performed at Invitae indicates that this missense variant is not expected to disrupt KAT6A protein function. In summary, the available evidence is currently insufficient to determine the role of this variant in disease. Therefore, it has been classified as a Variant of Uncertain Significance.